The following is an entry in ClinVar:

NM_000030.3(AGXT):c.439A>T (p.Lys147Ter)

Gene: AGXT (alanine--glyoxylate aminotransferase; plus strand). Cytogenetic location: 2q37.3.
Variant type: single nucleotide variant.
Coding change: c.439A>T on transcript NM_000030.3 (MANE Select); coding-DNA position 439, A replaced by T.
Protein change: p.Lys147Ter; replaces lysine 147 with a stop codon.
Molecular consequence: nonsense.
Genome position (GRCh38, 1-based): chr2:240,871,364, A>T. VCF-style: chr2-240871364-A-T. GRCh37 (hg19) VCF-style: chr2-241810781-A-T.
Other names: short protein forms K147*.
Identifiers: ClinVar variation 983730 (VCV000983730.3), dbSNP rs1193344118, ClinGen allele CA351315670.

ClinVar aggregate classification (germline): Likely pathogenic (1 of 4 stars; one submission).

Conditions:
Primary hyperoxaluria, type I (HP1). Also called: GLYCOLIC ACIDURIA; HEPATIC AGT DEFICIENCY; OXALOSIS I; Primary hyperoxaluria type 1. Identifiers: Orphanet 416, Orphanet 93598, MedGen C0268164, MONDO:0009823, OMIM 259900. Disease mechanism: loss of function.

Submission:

Myriad Genetics, Inc.
Classification: Likely pathogenic for Primary hyperoxaluria, type I. Last evaluated: 2019-12-22. Review status: criteria provided, single submitter. Criteria: Myriad Women's Health Autosomal Recessive and X-Linked Classification Criteria (2019). Collection method: clinical testing. Allele origin: unknown.
Comment: NM_000030.2(AGXT):c.439A>T(K147*) is expected to be pathogenic in the context of primary hyperoxaluria type 1. This variant is predicted to lead to an abnormal or absent protein product due to the creation of a premature termination codon in AGXT, a gene where loss-of-function variants are known to be pathogenic. Please note: this variant was assessed in the context of healthy population screening.